The following is an entry in ClinVar:

NM_015278.5(SASH1):c.1191C>T (p.Leu397=)

Gene: SASH1 (SAM and SH3 domain containing 1; plus strand). Cytogenetic location: 6q25.1.
Variant type: single nucleotide variant.
Coding change: c.1191C>T on transcript NM_015278.5 (MANE Select); coding-DNA position 1191, C replaced by T.
Protein change: p.Leu397=; no amino-acid change (leucine 397 retained).
Molecular consequence: synonymous variant.
Genome position (GRCh38, 1-based): chr6:148,519,875, C>T. VCF-style: chr6-148519875-C-T. GRCh37 (hg19) VCF-style: chr6-148841011-C-T.
Other names: c.1191C>T (NM_015278.4); c.1056C>T, p.Leu352= (NM_001346505.2); c.819C>T, p.Leu273= (NM_001346506.2); c.474C>T, p.Leu158= (NM_001346507.2, NM_001346508.2); c.351C>T, p.Leu117= (NM_001346509.2).
Identifiers: ClinVar variation 1263475 (VCV001263475.5), dbSNP rs13196292, ClinGen allele CA4040235.

ClinVar aggregate classification (germline): Benign. Review status: criteria provided, multiple submitters, no conflicts (2 of 4 stars). 3 submissions from 3 submitters: Benign (2). 1 of the submissions does not count toward it. Last evaluated 2024-11-26.

Conditions:
SASH1-related disorder. Also called: SASH1-related condition.

Allele frequency attached by ClinVar (database versions not stated): TOPMed 0.07735; gnomAD 0.07977 and 0.08070; gnomAD exomes 0.07983 and 0.08763; ESP Exome Variant Server 0.08035; 1000 Genomes Project 0.08187; 1000 Genomes Project 30x 0.08245; ExAC 0.12263.
gnomAD v4.1: 137,099 of 1,579,974 alleles (8.7%); highest among the groups gnomAD compares: South Asian, 10%; 6,190 homozygotes.

Submissions (3):

Blueprint Genetics
Classification: Benign. Last evaluated: 2024-11-26. Review status: criteria provided, single submitter. Criteria: ACMG Guidelines, 2015. Collection method: clinical testing. Allele origin: germline.

GeneDx
Classification: Benign. Last evaluated: 2021-05-04. Review status: criteria provided, single submitter. Criteria: GeneDx Variant Classification Process June 2021. Collection method: clinical testing. Allele origin: germline. Affected: yes.

PreventionGenetics, part of Exact Sciences
Classification: Benign for SASH1-related condition. Last evaluated: 2019-12-09. Review status: no assertion criteria provided. Collection method: clinical testing. Allele origin: germline. Not counted in ClinVar's aggregate classification.
Comment: This variant is classified as benign based on ACMG/AMP sequence variant interpretation guidelines (Richards et al. 2015 PMID: 25741868, with internal and published modifications).